The following is an entry in ClinVar:

ClinVar aggregate classification (germline): Uncertain significance (1 of 4 stars; one submission).

Conditions:
CFI-related disorder. Also called: CFI-related condition; CFI-related disorders. Identifiers: MedGen CN239325.

Submission:

Genomenon, Inc
Classification: Uncertain significance for CFI-related disorder. Last evaluated: 2025-09-26. Review status: criteria provided, single submitter. Criteria: Genomenon Sequence Variant Interpretation Standards - Updated. Collection method: curation. Allele origin: germline. Affected: no.
Comment: CFI p.Thr72Asn (c.215C>A) is a missense variant that changes the amino acid at residue 72 from Threonine to Asparagine. This variant has been reported in the published literature (PMID:22393059). It is absent or not present at a significant frequency in gnomAD. In silico models agree that this variant is not damaging. In conclusion, we classify CFI p.Thr72Asn (c.215C>A) as a variant of unknown significance.

Literature cited by the submitters: PubMed 22393059.

NM_000204.5(CFI):c.215C>A (p.Thr72Asn)

Gene: CFI (complement factor I; minus strand). Cytogenetic location: 4q25.
Variant type: single nucleotide variant.
Coding change: c.215C>A on transcript NM_000204.5 (MANE Select); coding-DNA position 215, C replaced by A.
Protein change: p.Thr72Asn; replaces threonine 72 with asparagine.
Molecular consequence: missense variant. On other transcripts: non-coding transcript variant (3), intron variant (1).
Genome position (GRCh38, 1-based): chr4:109,766,667, G>T on the plus strand (C>A on the coding strand, the complement: CFI is on the minus strand). VCF-style: chr4-109766667-G-T. GRCh37 (hg19) VCF-style: chr4-110687823-G-T.
Other names: c.215C>A, p.Thr72Asn (NM_001318057.2, NM_001331035.2, NM_001375278.1 and 10 more transcripts); c.-127-4975C>A (NM_001375284.1); short protein forms T72N.
Identifiers: ClinVar variation 4280548 (VCV004280548.1).